The following is an entry in ClinVar:

NM_004656.4(BAP1):c.1505C>G (p.Ala502Gly)

Gene: BAP1 (BRCA1 associated deubiquitinase 1; minus strand). Cytogenetic location: 3p21.1.
Variant type: single nucleotide variant.
Coding change: c.1505C>G on transcript NM_004656.4 (MANE Select); coding-DNA position 1505, C replaced by G.
Protein change: p.Ala502Gly; replaces alanine 502 with glycine.
Molecular consequence: missense variant.
Genome position (GRCh38, 1-based): chr3:52,403,640, G>C on the plus strand (C>G on the coding strand, the complement: BAP1 is on the minus strand). VCF-style: chr3-52403640-G-C. GRCh37 (hg19) VCF-style: chr3-52437656-G-C.
Other names: short protein forms A502G.
Identifiers: ClinVar variation 1062750 (VCV001062750.5), dbSNP rs2153226683, ClinGen allele CA353100930.

ClinVar aggregate classification (germline): Uncertain significance (1 of 4 stars; one submission).

Conditions:
BAP1-related tumor predisposition syndrome (TPDS1). Also called: Tumor susceptibility linked to germline BAP1 mutations; BAP1 tumor predisposition syndrome; COMMON Syndrome; TUMOR PREDISPOSITION SYNDROME 1. Identifiers: Orphanet 289539, MedGen C3280492, MONDO:0013692, OMIM 614327.

Submission:

Labcorp Genetics (formerly Invitae), Labcorp
Classification: Uncertain significance for BAP1-related tumor predisposition syndrome. Last evaluated: 2022-12-26. Review status: criteria provided, single submitter. Criteria: Invitae Variant Classification Sherloc (09022015). Collection method: clinical testing. Allele origin: germline.
Comment: In summary, the available evidence is currently insufficient to determine the role of this variant in disease. Therefore, it has been classified as a Variant of Uncertain Significance. Advanced modeling of protein sequence and biophysical properties (such as structural, functional, and spatial information, amino acid conservation, physicochemical variation, residue mobility, and thermodynamic stability) performed at Invitae indicates that this missense variant is not expected to disrupt BAP1 protein function. ClinVar contains an entry for this variant (Variation ID: 1062750). This variant has not been reported in the literature in individuals affected with BAP1-related conditions. This variant is not present in population databases (gnomAD no frequency). This sequence change replaces alanine, which is neutral and non-polar, with glycine, which is neutral and non-polar, at codon 502 of the BAP1 protein (p.Ala502Gly).